The following is an entry in ClinVar:

ClinVar aggregate classification (germline): Uncertain significance (1 of 4 stars; one submission).

Conditions:
Fanconi anemia (FA). Also called: Fanconi's anemia. Identifiers: Orphanet 84, MedGen C0015625, MeSH D005199, MONDO:0019391.

Submission:

Labcorp Genetics (formerly Invitae), Labcorp
Classification: Uncertain significance for Fanconi anemia. Last evaluated: 2021-11-10. Review status: criteria provided, single submitter. Criteria: Invitae Variant Classification Sherloc (09022015). Collection method: clinical testing. Allele origin: germline.
Comment: In summary, the available evidence is currently insufficient to determine the role of this variant in disease. Therefore, it has been classified as a Variant of Uncertain Significance. This sequence change falls in intron 20 of the FANCA gene. It does not directly change the encoded amino acid sequence of the FANCA protein. It affects a nucleotide within the consensus splice site. This variant is not present in population databases (gnomAD no frequency). This variant has not been reported in the literature in individuals affected with FANCA-related conditions. Variants that disrupt the consensus splice site are a relatively common cause of aberrant splicing (PMID: 17576681, 9536098). Algorithms developed to predict the effect of sequence changes on RNA splicing suggest that this variant is not likely to affect RNA splicing.

Literature cited by the submitters: PubMed 17576681; PubMed 9536098.

NM_000135.4(FANCA):c.1826+4T>G

Gene: FANCA (FA complementation group A; minus strand). Cytogenetic location: 16q24.3.
Variant type: single nucleotide variant.
Coding change: c.1826+4T>G on transcript NM_000135.4 (MANE Select); 4 bases into the intron after coding-DNA position 1826, T replaced by G.
Molecular consequence: intron variant.
Genome position (GRCh38, 1-based): chr16:89,778,797, A>C on the plus strand (T>G on the coding strand, the complement: FANCA is on the minus strand). VCF-style: chr16-89778797-A-C. GRCh37 (hg19) VCF-style: chr16-89845205-A-C.
Other names: c.1826+4T>G (NM_001286167.3).
Identifiers: ClinVar variation 1430674 (VCV001430674.6), dbSNP rs979666807, ClinGen allele CA2573152907.